The following is an entry in ClinVar:

NM_001042492.3(NF1):c.6089T>G (p.Val2030Gly)

Gene: NF1 (neurofibromin 1; plus strand). Cytogenetic location: 17q11.2.
Variant type: single nucleotide variant.
Coding change: c.6089T>G on transcript NM_001042492.3 (MANE Select); coding-DNA position 6089, T replaced by G.
Protein change: p.Val2030Gly; replaces valine 2030 with glycine.
Molecular consequence: missense variant.
Genome position (GRCh38, 1-based): chr17:31,336,415, T>G. VCF-style: chr17-31336415-T-G. GRCh37 (hg19) VCF-style: chr17-29663433-T-G.
Other names: c.6026T>G, p.Val2009Gly (NM_000267.4); short protein forms V2009G, V2030G.
Identifiers: ClinVar variation 4851365 (VCV004851365.1).
Genomic context (GRCh38, chr17:31,336,415, plus strand): 5'-TACTAGACAGTTTCATCAAAACCAGTGCAACAGGTGGCTTGGGATCAATAAAAGCTGAGG[T>G]GATGGCAGATACTGCTGTAGCTTTGGCTTCTGGAAATGTGAAATTGGTTTCAAGCAAGGT-3'
Protein context (NP_001035957.1, residues 2020-2040): TGGLGSIKAE[Val2030Gly]MADTAVALAS

ClinVar aggregate classification (germline): Uncertain significance (1 of 4 stars; one submission).

Conditions:
Fetal anomalies with a likely genetic cause.

Submission:

Genetics Laboratory, Great Ormond Street Hospital NHS Foundation Trust, North Thames Genomic Laboratory Hub
Classification: Uncertain significance for Fetal anomalies with a likely genetic cause. Last evaluated: 2026-03-25. Review status: criteria provided, single submitter. Criteria: ACGS Best Practice Guidelines for Variant Classification in Rare Disease 2024 v1.2. Collection method: clinical testing. Allele origin: germline. Affected: yes.
Comment: PM2_moderate, PP3_supporting, PP2_supporting